The following is an entry in ClinVar:

NM_001008212.2(OPTN):c.440T>C (p.Val147Ala)

Gene: OPTN (optineurin; plus strand). Cytogenetic location: 10p13.
Variant type: single nucleotide variant.
Coding change: c.440T>C on transcript NM_001008212.2 (MANE Select); coding-DNA position 440, T replaced by C.
Protein change: p.Val147Ala; replaces valine 147 with alanine.
Molecular consequence: missense variant.
Genome position (GRCh38, 1-based): chr10:13,112,523, T>C. VCF-style: chr10-13112523-T-C. GRCh37 (hg19) VCF-style: chr10-13154523-T-C.
Other names: c.440T>C, p.Val147Ala (NM_001008211.1, NM_001008213.1, NM_021980.4); short protein forms V147A.
Identifiers: ClinVar variation 1740393 (VCV001740393.3), dbSNP rs200863693, ClinGen allele CA5410623.

ClinVar aggregate classification (germline): Uncertain significance. Review status: criteria provided, multiple submitters, no conflicts (2 of 4 stars). 2 submissions from 2 submitters: Uncertain significance (2). Last evaluated 2025-12-30.

Conditions:
OPTN-related disorder. Also called: OPTN-related condition; OPTN-related disorders.
Inborn genetic diseases. Identifiers: MedGen C0950123, MeSH D030342.

Allele frequency attached by ClinVar (database versions not stated): gnomAD exomes 0.00001; ExAC 0.00003; gnomAD 0.00006; TOPMed 0.00007; 1000 Genomes Project 0.00040; 1000 Genomes Project 30x 0.00047.
gnomAD v4.1: 29 of 1,614,070 alleles (0.0018%); highest among the groups gnomAD compares: African/African-American, 0.033%; no homozygotes.

Submissions (2):

PreventionGenetics, part of Exact Sciences
Classification: Uncertain significance for OPTN-related condition. Last evaluated: 2025-12-30. Review status: criteria provided, single submitter. Criteria: ACMG Guidelines, 2015. Collection method: clinical testing. Allele origin: germline.
Comment: The OPTN c.440T>C variant is predicted to result in the amino acid substitution p.Val147Ala. To our knowledge, this variant has not been reported in the literature. This variant is reported in 0.032% of alleles in individuals of African descent in gnomAD. At this time, the clinical significance of this variant is uncertain due to the absence of conclusive functional and genetic evidence.

Ambry Genetics
Classification: Uncertain significance for Inborn genetic diseases. Last evaluated: 2020-03-03. Review status: criteria provided, single submitter. Criteria: Ambry Variant Classification Scheme 2023. Collection method: clinical testing. Allele origin: germline.
Comment: The p.V147A variant (also known as c.440T>C), located in coding exon 3 of the OPTN gene, results from a T to C substitution at nucleotide position 440. The valine at codon 147 is replaced by alanine, an amino acid with similar properties. This amino acid position well conserved in available vertebrate species. In addition, the in silico prediction for this alteration is inconclusive. Since supporting evidence is limited at this time, the clinical significance of this alteration remains unclear.